The following is an entry in ClinVar:

NM_000282.4(PCCA):c.1427G>A (p.Arg476Gln)

Gene: PCCA (propionyl-CoA carboxylase subunit alpha; plus strand). Cytogenetic location: 13q32.3.
Variant type: single nucleotide variant.
Coding change: c.1427G>A on transcript NM_000282.4 (MANE Select); coding-DNA position 1427, G replaced by A.
Protein change: p.Arg476Gln; replaces arginine 476 with glutamine.
Molecular consequence: missense variant. On other transcripts: non-coding transcript variant (5).
Genome position (GRCh38, 1-based): chr13:100,309,906, G>A. VCF-style: chr13-100309906-G-A. GRCh37 (hg19) VCF-style: chr13-100962160-G-A.
Other names: c.1349G>A, p.Arg450Gln (NM_001127692.3, NM_001352607.2); c.1427G>A, p.Arg476Gln (NM_001178004.2, NM_001352605.2, NM_001352609.2); c.1283G>A, p.Arg428Gln (NM_001352606.2); c.1205G>A, p.Arg402Gln (NM_001352608.2); c.482G>A, p.Arg161Gln (NM_001352610.2, NM_001352611.2); c.338G>A, p.Arg113Gln (NM_001352612.2); short protein forms R113Q, R402Q, R428Q, R450Q, R161Q, R476Q.
Identifiers: ClinVar variation 2157875 (VCV002157875.1), dbSNP rs761678220, ClinGen allele CA7033644.

ClinVar aggregate classification (germline): Uncertain significance (1 of 4 stars; one submission).

Conditions:
Propionic acidemia (PROP). Also called: GLYCINEMIA, KETOTIC; HYPERGLYCINEMIA WITH KETOACIDOSIS AND LEUKOPENIA; KETOTIC HYPERGLYCINEMIA. Identifiers: Orphanet 35, MedGen C0268579, MONDO:0011628, OMIM 606054, HP:0003571.

Allele frequency attached by ClinVar (database versions not stated): gnomAD exomes 0.00001; gnomAD 0.00002; TOPMed 0.00002; ExAC 0.00005.
gnomAD v4.1: 23 of 1,605,902 alleles (0.0014%); highest among the groups gnomAD compares: Non-Finnish European, 0.0019%; no homozygotes.

Submission:

Labcorp Genetics (formerly Invitae), Labcorp
Classification: Uncertain significance for Propionic acidemia. Last evaluated: 2022-08-15. Review status: criteria provided, single submitter. Criteria: Invitae Variant Classification Sherloc (09022015). Collection method: clinical testing. Allele origin: germline.
Comment: This sequence change replaces arginine, which is basic and polar, with glutamine, which is neutral and polar, at codon 476 of the PCCA protein (p.Arg476Gln). This variant is present in population databases (rs761678220, gnomAD 0.007%). This variant has not been reported in the literature in individuals affected with PCCA-related conditions. Algorithms developed to predict the effect of missense changes on protein structure and function are either unavailable or do not agree on the potential impact of this missense change (SIFT: "Deleterious"; PolyPhen-2: "Possibly Damaging"; Align-GVGD: "Class C0"). In summary, the available evidence is currently insufficient to determine the role of this variant in disease. Therefore, it has been classified as a Variant of Uncertain Significance.